The following is an entry in ClinVar:

NM_000059.4(BRCA2):c.1125C>A (p.Pro375=)

Gene: BRCA2 (BRCA2 DNA repair associated; plus strand). Cytogenetic location: 13q13.1.
Variant type: single nucleotide variant.
Coding change: c.1125C>A on transcript NM_000059.4 (MANE Select); coding-DNA position 1125, C replaced by A.
Protein change: p.Pro375=; no amino-acid change (proline 375 retained).
Molecular consequence: synonymous variant.
Genome position (GRCh38, 1-based): chr13:32,332,603, C>A. VCF-style: chr13-32332603-C-A. GRCh37 (hg19) VCF-style: chr13-32906740-C-A.
Identifiers: ClinVar variation 427414 (VCV000427414.4), dbSNP rs276174806, ClinGen allele CA483436732.

ClinVar aggregate classification (germline): Likely benign. Review status: reviewed by expert panel (3 of 4 stars). 2 submissions from 2 submitters: Likely benign (1). 1 of the submissions does not count toward it. Last evaluated 2017-06-29.

Conditions:
Familial cancer of breast. Also called: hereditary breast carcinoma; Hereditary breast cancer; BREAST CANCER, FAMILIAL. Identifiers: Orphanet 227535, MedGen C0346153, MONDO:0016419, OMIM 114480. Disease mechanism: loss of function.
Breast-ovarian cancer, familial, susceptibility to, 2 (BROVCA2). Also called: BRCA2 Hereditary Breast and Ovarian Cancer. Identifiers: Orphanet 145, MedGen C2675520, MONDO:0012933, OMIM 612555. Disease mechanism: loss of function.

Submissions (2):

Evidence-based Network for the Interpretation of Germline Mutant Alleles (ENIGMA)
Classification: Likely benign for Breast-ovarian cancer, familial, susceptibility to, 2. Last evaluated: 2017-06-29. Review status: reviewed by expert panel. Criteria: ENIGMA BRCA1/2 Classification Criteria (2017-06-29). Collection method: curation. Allele origin: germline.
Comment: Synonymous substitution variant, with low bioinformatic likelihood to result in a splicing aberration (Splicing prior probability 0.02).

KCCC/NGS Laboratory, Kuwait Cancer Control Center
Classification: Benign for Familial cancer of breast. Last evaluated: 2025-02-01. Review status: criteria provided, single submitter. Criteria: ACMG Guidelines, 2015. Collection method: clinical testing. Allele origin: germline. Affected: no. Not counted in ClinVar's aggregate classification.